The following is an entry in ClinVar:

NM_003470.3(USP7):c.3225T>G (p.Pro1075=)

Gene: USP7 (ubiquitin specific peptidase 7; minus strand). Cytogenetic location: 16p13.2.
Variant type: single nucleotide variant.
Coding change: c.3225T>G on transcript NM_003470.3 (MANE Select); coding-DNA position 3225, T replaced by G.
Protein change: p.Pro1075=; no amino-acid change (proline 1075 retained).
Molecular consequence: synonymous variant. On other transcripts: non-coding transcript variant (1).
Genome position (GRCh38, 1-based): chr16:8,894,082, A>C on the plus strand (T>G on the coding strand, the complement: USP7 is on the minus strand). VCF-style: chr16-8894082-A-C. GRCh37 (hg19) VCF-style: chr16-8987939-A-C.
Other names: c.3177T>G, p.Pro1059= (NM_001286457.2); c.2928T>G, p.Pro976= (NM_001286458.2); c.3051T>G, p.Pro1017= (NM_001321858.2).
Identifiers: ClinVar variation 4872543 (VCV004872543.2).

ClinVar aggregate classification (germline): Likely benign (1 of 4 stars; one submission).

gnomAD v4.1: 27 of 1,614,090 alleles (0.0017%); highest among the groups gnomAD compares: Admixed American, 0.017%; no homozygotes.

Submission:

CeGaT Center for Human Genetics Tuebingen
Classification: Likely benign. Last evaluated: 2026-06-01. Review status: criteria provided, single submitter. Criteria: CeGaT Center For Human Genetics Tuebingen Variant Classification Criteria Version 2. Collection method: clinical testing. Allele origin: germline. Affected: yes. Observed: 2 variant alleles.
Comment: USP7: BP4, BP7